The following is an entry in ClinVar:

NM_001776.6(ENTPD1):c.1342G>A (p.Ala448Thr)

Genes: ENTPD1 (ectonucleoside triphosphate diphosphohydrolase 1; plus strand), ENTPD1-AS1 (ENTPD1 antisense RNA 1; minus strand). Cytogenetic location: 10q24.1.
Variant type: single nucleotide variant.
Coding change: c.1342G>A on transcript NM_001776.6 (MANE Select); coding-DNA position 1342, G replaced by A.
Protein change: p.Ala448Thr; replaces alanine 448 with threonine.
Molecular consequence: missense variant. On other transcripts: intron variant (1).
Genome position (GRCh38, 1-based): chr10:95,866,192, G>A. VCF-style: chr10-95866192-G-A. GRCh37 (hg19) VCF-style: chr10-97625949-G-A.
Other names: c.1363G>A, p.Ala455Thr (NM_001098175.2); c.1378G>A, p.Ala460Thr (NM_001164178.1); c.1219G>A, p.Ala407Thr (NM_001164179.2); c.1018G>A, p.Ala340Thr (NM_001164181.1, NM_001312654.1); c.928G>A, p.Ala310Thr (NM_001164182.2, NM_001164183.2); c.1362+1331G>A (NM_001320916.1); short protein forms A310T, A340T, A407T, A448T, A455T, A460T.
Identifiers: ClinVar variation 1022844 (VCV001022844.6), dbSNP rs768179232, ClinGen allele CA5621639.

ClinVar aggregate classification (germline): Uncertain significance (1 of 4 stars; one submission).

Conditions:
Hereditary spastic paraplegia 64. Also called: ENTPD1-Related Neurodevelopmental Disorder; Spastic paraplegia 64, autosomal recessive. Identifiers: Orphanet 401810, MedGen C3810289, MONDO:0014303, OMIM 615683.

Allele frequency attached by ClinVar (database versions not stated): TOPMed 0.00001; gnomAD 0.00002; gnomAD exomes 0.00002; ExAC 0.00004.
gnomAD v4.1: 22 of 1,613,706 alleles (0.0014%); highest among the groups gnomAD compares: Middle Eastern, 0.049%; no homozygotes.

Submission:

Labcorp Genetics (formerly Invitae), Labcorp
Classification: Uncertain significance for Hereditary spastic paraplegia 64. Last evaluated: 2020-07-02. Review status: criteria provided, single submitter. Criteria: Invitae Variant Classification Sherloc (09022015). Collection method: clinical testing. Allele origin: germline.
Comment: This sequence change replaces alanine with threonine at codon 448 of the ENTPD1 protein (p.Ala448Thr). The alanine residue is moderately conserved and there is a small physicochemical difference between alanine and threonine. This variant is present in population databases (rs768179232, ExAC 0.01%). This variant has not been reported in the literature in individuals with ENTPD1-related conditions. Algorithms developed to predict the effect of missense changes on protein structure and function are either unavailable or do not agree on the potential impact of this missense change (SIFT: "Deleterious"; PolyPhen-2: "Benign"; Align-GVGD: "Class C0"). In summary, the available evidence is currently insufficient to determine the role of this variant in disease. Therefore, it has been classified as a Variant of Uncertain Significance.